The following is an entry in ClinVar:

ClinVar aggregate classification (germline): Uncertain significance. Review status: criteria provided, multiple submitters, no conflicts (2 of 4 stars). 3 submissions from 3 submitters: Uncertain significance (3). Last evaluated 2026-01-14.

Conditions:
WFS1-related disorder. Identifiers: MedGen CN379391, MONDO:0700293.

Allele frequency attached by ClinVar (database versions not stated): gnomAD exomes 0.00001 and 0.00002.
gnomAD v4.1: 5 of 1,564,748 alleles (0.00032%); highest among the groups gnomAD compares: Admixed American, 0.0094%; no homozygotes.

Submissions (3):

PreventionGenetics, part of Exact Sciences
Classification: Uncertain significance for WFS1-related condition. Last evaluated: 2026-01-14. Review status: criteria provided, single submitter. Criteria: ACMG Guidelines, 2015. Collection method: clinical testing. Allele origin: germline.
Comment: The WFS1 c.203C>T variant is predicted to result in the amino acid substitution p.Thr68Ile. To our knowledge, this variant has not been reported in the literature. This variant is reported in 0.015% of alleles in individuals of Latino descent in gnomAD. At this time, the clinical significance of this variant is uncertain due to the absence of conclusive functional and genetic evidence.

Labcorp Genetics (formerly Invitae), Labcorp
Classification: Uncertain significance. Last evaluated: 2025-10-18. Review status: criteria provided, single submitter. Criteria: Invitae Variant Classification Sherloc (09022015). Collection method: clinical testing. Allele origin: germline.
Comment: This sequence change replaces threonine, which is neutral and polar, with isoleucine, which is neutral and non-polar, at codon 68 of the WFS1 protein (p.Thr68Ile). The frequency data for this variant in the population databases is considered unreliable, as metrics indicate poor data quality at this position in the gnomAD database. This variant has not been reported in the literature in individuals affected with WFS1-related conditions. ClinVar contains an entry for this variant (Variation ID: 1432850). Invitae Evidence Modeling of protein sequence and biophysical properties (such as structural, functional, and spatial information, amino acid conservation, physicochemical variation, residue mobility, and thermodynamic stability) indicates that this missense variant is not expected to disrupt WFS1 protein function with a negative predictive value of 95%. In summary, the available evidence is currently insufficient to determine the role of this variant in disease. Therefore, it has been classified as a Variant of Uncertain Significance.

GeneDx
Classification: Uncertain significance. Last evaluated: 2025-03-04. Review status: criteria provided, single submitter. Criteria: GeneDx Variant Classification Process June 2021. Collection method: clinical testing. Allele origin: germline. Affected: yes.
Comment: In silico analysis indicates that this missense variant does not alter protein structure/function; Has not been previously published as pathogenic or benign to our knowledge

NM_006005.3(WFS1):c.203C>T (p.Thr68Ile)

Gene: WFS1 (wolframin ER transmembrane glycoprotein; plus strand). Cytogenetic location: 4p16.1.
Variant type: single nucleotide variant.
Coding change: c.203C>T on transcript NM_006005.3 (MANE Select); coding-DNA position 203, C replaced by T.
Protein change: p.Thr68Ile; replaces threonine 68 with isoleucine.
Molecular consequence: missense variant.
Genome position (GRCh38, 1-based): chr4:6,277,658, C>T. VCF-style: chr4-6277658-C-T. GRCh37 (hg19) VCF-style: chr4-6279385-C-T.
Other names: c.203C>T, p.Thr68Ile (NM_001145853.1); short protein forms T68I.
Identifiers: ClinVar variation 1432850 (VCV001432850.8), dbSNP rs767777366, ClinGen allele CA2838817.